The following is an entry in ClinVar:

ClinVar aggregate classification (germline): Pathogenic (1 of 4 stars; one submission).

Conditions:
Leukocyte adhesion deficiency type II. Also called: CONGENITAL DISORDER OF GLYCOSYLATION, TYPE IIc; CDG IIc; Congenital disorder of glycosylation type 2C; CDG 2C; Leukocyte adhesion deficiency type 2; Rambam Hasharon syndrome. Identifiers: Orphanet 2968, Orphanet 99843, MedGen C0398739, MONDO:0009953, OMIM 266265.

Submission:

3billion
Classification: Pathogenic for Leukocyte adhesion deficiency type II. Last evaluated: 2025-02-11. Review status: criteria provided, single submitter. Criteria: ACMG Guidelines, 2015. Collection method: clinical testing. Allele origin: germline. Affected: yes.
Comment: The variant is not observed in the gnomAD v4.1.0 dataset. Predicted Consequence/Location: Frameshift: predicted to result in a loss or disruption of normal protein function through nonsense-mediated decay (NMD) or protein truncation. Multiple pathogenic variants are reported downstream of the variant. The variant has been reported to be associated with SLC35C1-related disorder (PMID: 30630937). Therefore, this variant is classified as Pathogenic according to the recommendation of ACMG/AMP guideline.

Literature cited by the submitters: PubMed 30630937.

NM_018389.5(SLC35C1):c.267del (p.Gly90fs)

Gene: SLC35C1 (solute carrier family 35 member C1; plus strand). Cytogenetic location: 11p11.2.
Variant type: Deletion.
Coding change: c.267del on transcript NM_018389.5 (MANE Select); coding-DNA position 267, one base deleted (A; older notation c.267delA).
Protein change: p.Gly90fs; shifts the reading frame from glycine 90.
Molecular consequence: frameshift variant.
Genome position (GRCh38, 1-based): chr11:45,806,068, A deleted; the last of 3 consecutive A bases (chr11:45,806,066-45,806,068); deleting any one gives the same sequence. VCF-style (leftmost placement, unchanged base first): chr11-45806065-CA-C. GRCh37 (hg19) VCF-style: chr11-45827616-CA-C.
Other names: c.228del, p.Gly77fs (NM_001145265.2, NM_001145266.2, NM_001425156.1); c.267del, p.Gly90fs (NM_001425155.1); short protein forms G77fs, G90fs.
Identifiers: ClinVar variation 4293859 (VCV004293859.1).